The following is an entry in ClinVar:

NM_004984.4(KIF5A):c.2915C>T (p.Ala972Val)

Gene: KIF5A (kinesin family member 5A; plus strand). Cytogenetic location: 12q13.3.
Variant type: single nucleotide variant.
Coding change: c.2915C>T on transcript NM_004984.4 (MANE Select); coding-DNA position 2915, C replaced by T.
Protein change: p.Ala972Val; replaces alanine 972 with valine.
Molecular consequence: missense variant.
Genome position (GRCh38, 1-based): chr12:57,581,875, C>T. VCF-style: chr12-57581875-C-T. GRCh37 (hg19) VCF-style: chr12-57975658-C-T.
Other names: c.2648C>T, p.Ala883Val (NM_001354705.2); c.2915C>T (NM_004984.2); short protein forms A883V, A972V.
Identifiers: ClinVar variation 3616163 (VCV003616163.3).

ClinVar aggregate classification (germline): Uncertain significance. Review status: criteria provided, multiple submitters, no conflicts (2 of 4 stars). 2 submissions from 2 submitters: Uncertain significance (2). Last evaluated 2024-10-15.

Conditions:
Spastic paraplegia. Identifiers: MedGen C0037772, HP:0001258.
KIF5A-related disorder. Also called: KIF5A-related condition; KIF5A-related disorders.

gnomAD v4.1: 4 of 1,613,850 alleles (0.00025%); highest among the groups gnomAD compares: Non-Finnish European, 0.00034%; no homozygotes.

Submissions (2):

PreventionGenetics, part of Exact Sciences
Classification: Uncertain significance for KIF5A-related condition. Last evaluated: 2024-10-15. Review status: criteria provided, single submitter. Criteria: ACMG Guidelines, 2015. Collection method: clinical testing. Allele origin: germline.
Comment: The KIF5A c.2915C>T variant is predicted to result in the amino acid substitution p.Ala972Val. To our knowledge, this variant has not been reported in the literature or in a large population database (gnomAD), indicating this variant is rare. At this time, the clinical significance of this variant is uncertain due to the absence of conclusive functional and genetic evidence.

Labcorp Genetics (formerly Invitae), Labcorp
Classification: Uncertain significance for Spastic paraplegia. Last evaluated: 2024-09-23. Review status: criteria provided, single submitter. Criteria: Invitae Variant Classification Sherloc (09022015). Collection method: clinical testing. Allele origin: germline.
Comment: This sequence change replaces alanine, which is neutral and non-polar, with valine, which is neutral and non-polar, at codon 972 of the KIF5A protein (p.Ala972Val). This variant is not present in population databases (gnomAD no frequency). This variant has not been reported in the literature in individuals affected with KIF5A-related conditions. Invitae Evidence Modeling of protein sequence and biophysical properties (such as structural, functional, and spatial information, amino acid conservation, physicochemical variation, residue mobility, and thermodynamic stability) indicates that this missense variant is not expected to disrupt KIF5A protein function with a negative predictive value of 95%. In summary, the available evidence is currently insufficient to determine the role of this variant in disease. Therefore, it has been classified as a Variant of Uncertain Significance.